The following is an entry in ClinVar:

ClinVar aggregate classification (germline): Uncertain significance (1 of 4 stars; one submission).

Conditions:
Rhabdoid tumor predisposition syndrome 2 (RTPS2). Identifiers: Orphanet 231108, Orphanet 69077, MedGen C2750074, MONDO:0013224, OMIM 613325.

Submission:

Labcorp Genetics (formerly Invitae), Labcorp
Classification: Uncertain significance for Rhabdoid tumor predisposition syndrome 2. Last evaluated: 2022-11-03. Review status: criteria provided, single submitter. Criteria: Invitae Variant Classification Sherloc (09022015). Collection method: clinical testing. Allele origin: germline.
Comment: In summary, the available evidence is currently insufficient to determine the role of this variant in disease. Therefore, it has been classified as a Variant of Uncertain Significance. Algorithms developed to predict the effect of missense changes on protein structure and function (SIFT, PolyPhen-2, Align-GVGD) all suggest that this variant is likely to be disruptive. This variant has not been reported in the literature in individuals affected with SMARCA4-related conditions. This variant is not present in population databases (gnomAD no frequency). This sequence change replaces threonine, which is neutral and polar, with methionine, which is neutral and non-polar, at codon 1130 of the SMARCA4 protein (p.Thr1130Met).

NM_003072.5(SMARCA4):c.3389C>T (p.Thr1130Met)

Gene: SMARCA4 (SWI/SNF related BAF chromatin remodeling complex subunit ATPase 4; plus strand). Cytogenetic location: 19p13.2.
Variant type: single nucleotide variant.
Coding change: c.3389C>T on transcript NM_003072.5 (MANE Select); coding-DNA position 3389, C replaced by T.
Protein change: p.Thr1130Met; replaces threonine 1130 with methionine.
Molecular consequence: missense variant. On other transcripts: non-coding transcript variant (1).
Genome position (GRCh38, 1-based): chr19:11,030,736, C>T. VCF-style: chr19-11030736-C-T. GRCh37 (hg19) VCF-style: chr19-11141412-C-T.
Other names: c.3389C>T, p.Thr1130Met (NM_001411150.1, NM_001128844.3, NM_001128845.2 and 6 more transcripts); short protein forms T1130M.
Identifiers: ClinVar variation 3019272 (VCV003019272.3), dbSNP rs2146597639, ClinGen allele CA404062507.